The following is an entry in ClinVar:

NM_201253.3(CRB1):c.1557_1569dup (p.Leu524fs)

Gene: CRB1 (crumbs cell polarity complex component 1; plus strand). Cytogenetic location: 1q31.3.
Variant type: Duplication.
Coding change: c.1557_1569dup on transcript NM_201253.3 (MANE Select); coding-DNA positions 1557 to 1569, 13 bases duplicated (AATGGCTCTTCTA).
Protein change: p.Leu524fs; shifts the reading frame from leucine 524.
Molecular consequence: frameshift variant. On other transcripts: non-coding transcript variant (2).
Genome position (GRCh38, 1-based): chr1:197,421,385-197,421,397, AATGGCTCTTCTA duplicated. VCF-style (leftmost placement, unchanged base first): chr1-197421384-C-CAATGGCTCTTCTA. GRCh37 (hg19) VCF-style: chr1-197390514-C-CAATGGCTCTTCTA.
Other names: c.1221_1233dup, p.Leu412fs (NM_001193640.2); c.1350_1362dup, p.Leu455fs (NM_001257965.2); c.1557_1569dup, p.Leu524fs (NM_001257966.2); short protein forms L455fs, L524fs, L412fs.
Identifiers: ClinVar variation 4787301 (VCV004787301.1).

ClinVar aggregate classification (germline): Pathogenic (1 of 4 stars; one submission).

Conditions:
Leber congenital amaurosis 8 (LCA8). Identifiers: Orphanet 65, MedGen C3151202, MONDO:0013453, OMIM 613835.
Retinitis pigmentosa 12 (RP12). Also called: RP WITH OR WITHOUT PPRPE; RP WITH OR WITHOUT PRESERVED PARAARTERIOLE RETINAL PIGMENT EPITHELIUM; RETINITIS PIGMENTOSA WITH OR WITHOUT PARAARTERIOLAR PRESERVATION OF RETINAL PIGMENT EPITHELIUM. Identifiers: Orphanet 791, MedGen C1838647, MONDO:0010818, OMIM 600105.

Submission:

Labcorp Genetics (formerly Invitae), Labcorp
Classification: Pathogenic for Leber congenital amaurosis 8; Retinitis pigmentosa 12. Last evaluated: 2026-01-19. Review status: criteria provided, single submitter. Criteria: Invitae Variant Classification Sherloc (09022015). Collection method: clinical testing. Allele origin: germline.
Comment: This sequence change creates a premature translational stop signal (p.Leu524Asnfs*31) in the CRB1 gene. It is expected to result in an absent or disrupted protein product. Loss-of-function variants in CRB1 are known to be pathogenic (PMID: 10508521, 22065545, 23379534, 25412400, 26957898, 28041643, 29391521). This variant is not present in population databases (gnomAD no frequency). This variant has not been reported in the literature in individuals affected with CRB1-related conditions. For these reasons, this variant has been classified as Pathogenic.

Literature cited by the submitters: PubMed 10508521; PubMed 22065545; PubMed 23379534; PubMed 25412400; PubMed 26957898; PubMed 28041643; PubMed 29391521.